The following is an entry in ClinVar:

ClinVar aggregate classification (germline): Uncertain significance (1 of 4 stars; one submission).

Conditions:
Myofibrillar myopathy 3 (MFM3). Also called: Muscular dystrophy, proximal, type 1A; Autosomal dominant spheroid body myopathy. Identifiers: Orphanet 266, Orphanet 268129, MedGen C3714934, MONDO:0012215, OMIM 609200.

Allele frequency attached by ClinVar (database versions not stated): ExAC 0.00001; TOPMed 0.00001.

Submission:

Labcorp Genetics (formerly Invitae), Labcorp
Classification: Uncertain significance for Myofibrillar myopathy 3. Last evaluated: 2022-07-05. Review status: criteria provided, single submitter. Criteria: Invitae Variant Classification Sherloc (09022015). Collection method: clinical testing. Allele origin: germline.
Comment: In summary, the available evidence is currently insufficient to determine the role of this variant in disease. Therefore, it has been classified as a Variant of Uncertain Significance. Algorithms developed to predict the effect of missense changes on protein structure and function are either unavailable or do not agree on the potential impact of this missense change (SIFT: "Tolerated"; PolyPhen-2: "Possibly Damaging"; Align-GVGD: "Class C0"). ClinVar contains an entry for this variant (Variation ID: 533011). This variant has not been reported in the literature in individuals affected with MYOT-related conditions. This variant is not present in population databases (gnomAD no frequency). This sequence change replaces valine, which is neutral and non-polar, with isoleucine, which is neutral and non-polar, at codon 313 of the MYOT protein (p.Val313Ile).

NM_006790.3(MYOT):c.937G>A (p.Val313Ile)

Genes: MYOT (myotilin; plus strand), PKD2L2-DT (PKD2L2 divergent transcript; minus strand). Cytogenetic location: 5q31.2.
Variant type: single nucleotide variant.
Coding change: c.937G>A on transcript NM_006790.3 (MANE Select); coding-DNA position 937, G replaced by A.
Protein change: p.Val313Ile; replaces valine 313 with isoleucine.
Molecular consequence: missense variant.
Genome position (GRCh38, 1-based): chr5:137,883,504, G>A. VCF-style: chr5-137883504-G-A. GRCh37 (hg19) VCF-style: chr5-137219193-G-A.
Other names: c.385G>A, p.Val129Ile (NM_001135940.2); c.592G>A, p.Val198Ile (NM_001300911.2); short protein forms V313I, V198I, V129I.
Identifiers: ClinVar variation 533011 (VCV000533011.9), dbSNP rs760955035, ClinGen allele CA3423076.
Genomic context (GRCh38, chr5:137,883,504, plus strand): 5'-GATGATTTGCACAAAATGATAGTGTCTGAGAAGGGTCTTCATTCACTCATCTTTGAAGTA[G>A]TCAGAGCTTCAGATGCAGGGGCTTATGCATGTGTTGCCAAGAATAGAGCAGGAGAAGCCA-3'
Protein context (NP_006781.1, residues 303-323): KGLHSLIFEV[Val313Ile]RASDAGAYAC